The following is an entry in ClinVar:

NM_002485.5(NBN):c.1314del (p.Ser438fs)

Gene: NBN (nibrin; minus strand). Cytogenetic location: 8q21.3.
Variant type: Deletion.
Coding change: c.1314del on transcript NM_002485.5 (MANE Select); coding-DNA position 1314, one base deleted (T; older notation c.1314delT).
Protein change: p.Ser438fs; shifts the reading frame from serine 438.
Molecular consequence: frameshift variant.
Genome position (GRCh38, 1-based): chr8:89,955,366, A deleted on the plus strand (T on the coding strand, the reverse complement: NBN is on the minus strand). VCF-style (leftmost placement, unchanged base first): chr8-89955365-TA-T. GRCh37 (hg19) VCF-style: chr8-90967593-TA-T.
Other names: c.1068del, p.Ser356fs (NM_001024688.3); short protein forms S356fs, S438fs.
Identifiers: ClinVar variation 2703143 (VCV002703143.3), dbSNP rs2488243269, ClinGen allele CA2697549996.

ClinVar aggregate classification (germline): Pathogenic (1 of 4 stars; one submission).

Conditions:
Microcephaly, normal intelligence and immunodeficiency (NBS). Also called: Nijmegen breakage syndrome; Microcephaly with normal intelligence immunodeficiency and lymphoreticular malignancies; Nonsyndromal microcephaly autosomal recessive with normal intelligence; Seemanova syndrome 2; BERLIN BREAKAGE SYNDROME; IMMUNODEFICIENCY, MICROCEPHALY, AND CHROMOSOMAL INSTABILITY. Identifiers: Orphanet 647, MedGen C0398791, MONDO:0009623, OMIM 251260.

Submission:

Labcorp Genetics (formerly Invitae), Labcorp
Classification: Pathogenic for Microcephaly, normal intelligence and immunodeficiency. Last evaluated: 2023-12-14. Review status: criteria provided, single submitter. Criteria: Invitae Variant Classification Sherloc (09022015). Collection method: clinical testing. Allele origin: germline.
Comment: This sequence change creates a premature translational stop signal (p.Ser438Argfs*2) in the NBN gene. It is expected to result in an absent or disrupted protein product. Loss-of-function variants in NBN are known to be pathogenic (PMID: 9590180, 16415040). This variant is not present in population databases (gnomAD no frequency). This variant has not been reported in the literature in individuals affected with NBN-related conditions. For these reasons, this variant has been classified as Pathogenic.

Literature cited by the submitters: PubMed 9590180; PubMed 16415040.